The following is an entry in ClinVar:

ClinVar aggregate classification (germline): Uncertain significance. Review status: criteria provided, multiple submitters, no conflicts (2 of 4 stars). 3 submissions from 3 submitters: Uncertain significance (3). Last evaluated 2024-12-11.

Conditions:
Ataxia-telangiectasia syndrome (AT). Also called: Ataxia-telangiectasia, complementation group D; AT, COMPLEMENTATION GROUP C; Ataxia-telangiectasia; ATAXIA-TELANGIECTASIA, COMPLEMENTATION GROUP A; ATAXIA-TELANGIECTASIA, FRESNO VARIANT; LOUIS-BAR SYNDROME. Identifiers: Orphanet 100, MedGen C0004135, MONDO:0008840, OMIM 208900.
Hereditary cancer-predisposing syndrome. Also called: Hereditary Cancer Syndrome; Neoplastic Syndromes, Hereditary; Tumor predisposition; Hereditary neoplastic syndrome. Identifiers: Orphanet 140162, MedGen C0027672, MeSH D009386, MONDO:0015356.

Submissions (3):

Labcorp Genetics (formerly Invitae), Labcorp
Classification: Uncertain significance for Ataxia-telangiectasia syndrome. Last evaluated: 2024-12-11. Review status: criteria provided, single submitter. Criteria: Invitae Variant Classification Sherloc (09022015). Collection method: clinical testing. Allele origin: germline.
Comment: This sequence change replaces phenylalanine, which is neutral and non-polar, with isoleucine, which is neutral and non-polar, at codon 1247 of the ATM protein (p.Phe1247Ile). This variant is not present in population databases (gnomAD no frequency). This variant has not been reported in the literature in individuals affected with ATM-related conditions. ClinVar contains an entry for this variant (Variation ID: 630768). Invitae Evidence Modeling of protein sequence and biophysical properties (such as structural, functional, and spatial information, amino acid conservation, physicochemical variation, residue mobility, and thermodynamic stability) has been performed for this missense variant. However, the output from this modeling did not meet the statistical confidence thresholds required to predict the impact of this variant on ATM protein function. In summary, the available evidence is currently insufficient to determine the role of this variant in disease. Therefore, it has been classified as a Variant of Uncertain Significance.

Color Diagnostics, LLC DBA Color Health
Classification: Uncertain significance for Hereditary cancer-predisposing syndrome. Last evaluated: 2023-12-04. Review status: criteria provided, single submitter. Criteria: ACMG Guidelines, 2015. Collection method: clinical testing. Allele origin: germline.
Comment: This missense variant replaces phenylalanine with isoleucine at codon 1247 of the ATM protein. Computational prediction suggests that this variant may have deleterious impact on protein structure and function (internally defined REVEL score threshold >= 0.7, PMID: 27666373). To our knowledge, functional studies have not been reported for this variant. This variant has not been reported in individuals affected with ATM-related disorders in the literature. This variant has not been identified in the general population by the Genome Aggregation Database (gnomAD). The available evidence is insufficient to determine the role of this variant in disease conclusively. Therefore, this variant is classified as a Variant of Uncertain Significance.

Ambry Genetics
Classification: Uncertain significance for Hereditary cancer-predisposing syndrome. Last evaluated: 2015-12-24. Review status: criteria provided, single submitter. Criteria: Ambry Variant Classification Scheme 2023. Collection method: clinical testing. Allele origin: germline.
Comment: The p.F1247I variant (also known as c.3739T>A), located in coding exon 24 of the ATM gene, results from a T to A substitution at nucleotide position 3739. The phenylalanine at codon 1247 is replaced by isoleucine, an amino acid with highly similar properties. This variant was not reported in population based cohorts in the following databases: Database of Single Nucleotide Polymorphisms (dbSNP), NHLBI Exome Sequencing Project (ESP), and 1000 Genomes Project. In the ESP, this variant was not observed in 6472 samples (12944 alleles) with coverage at this position. To date, this alteration has been detected with an allele frequency of approximately 0.001% (greater than 125000 alleles tested) in our clinical cohort. This amino acid position is highly conserved in available vertebrate species. In addition, this alteration is predicted to be deleterious by in silico analysis. Since supporting evidence is limited at this time, the clinical significance of p.F1247I remains unclear.

NM_000051.4(ATM):c.3739T>A (p.Phe1247Ile)

Gene: ATM (ATM serine/threonine kinase; plus strand). Cytogenetic location: 11q22.3.
Variant type: single nucleotide variant.
Coding change: c.3739T>A on transcript NM_000051.4 (MANE Select); coding-DNA position 3739, T replaced by A.
Protein change: p.Phe1247Ile; replaces phenylalanine 1247 with isoleucine.
Molecular consequence: missense variant.
Genome position (GRCh38, 1-based): chr11:108,282,872, T>A. VCF-style: chr11-108282872-T-A. GRCh37 (hg19) VCF-style: chr11-108153599-T-A.
Other names: c.3739T>A, p.Phe1247Ile (NM_001351834.2); short protein forms F1247I.
Identifiers: ClinVar variation 630768 (VCV000630768.17), dbSNP rs886506379, ClinGen allele CA228366807.